The following is an entry in ClinVar:

NM_002519.3(NPAT):c.1331T>A (p.Phe444Tyr)

Gene: NPAT (nuclear protein, coactivator of histone transcription; minus strand). Cytogenetic location: 11q22.3.
Variant type: single nucleotide variant.
Coding change: c.1331T>A on transcript NM_002519.3 (MANE Select); coding-DNA position 1331, T replaced by A.
Protein change: p.Phe444Tyr; replaces phenylalanine 444 with tyrosine.
Molecular consequence: missense variant.
Genome position (GRCh38, 1-based): chr11:108,173,653, A>T on the plus strand (T>A on the coding strand, the complement: NPAT is on the minus strand). VCF-style: chr11-108173653-A-T. GRCh37 (hg19) VCF-style: chr11-108044380-A-T.
Other names: c.1331T>A, p.Phe444Tyr (NM_001321307.1); short protein forms F444Y.
Identifiers: ClinVar variation 2835790 (VCV002835790.3), dbSNP rs2496721719, ClinGen allele CA382515592.
Genomic context (GRCh38, chr11:108,173,653, plus strand): 5'-TTACATTCAGCATTAGAATTCCCTCTTTGGTTAAAGTCATTCAAATTAGGCACGGACTCA[A>T]AGGTAATGTCAATGTCACACTTCTGTTCAGTGGGTACAGCTGTTTTAAAGGCCTTTTTCT-3'
Protein context (NP_002510.2, residues 434-454): TEQKCDIDIT[Phe444Tyr]ESVPNLNDFN

ClinVar aggregate classification (germline): Uncertain significance (1 of 4 stars; one submission).

gnomAD v4.1: 1 of 1,614,202 alleles (0.000062%); no homozygotes.

Submission:

Labcorp Genetics (formerly Invitae), Labcorp
Classification: Uncertain significance. Last evaluated: 2023-02-09. Review status: criteria provided, single submitter. Criteria: Invitae Variant Classification Sherloc (09022015). Collection method: clinical testing. Allele origin: germline.
Comment: This variant is not present in population databases (gnomAD no frequency). This sequence change replaces phenylalanine, which is neutral and non-polar, with tyrosine, which is neutral and polar, at codon 444 of the NPAT protein (p.Phe444Tyr). This variant has not been reported in the literature in individuals affected with NPAT-related conditions. Algorithms developed to predict the effect of missense changes on protein structure and function are either unavailable or do not agree on the potential impact of this missense change (SIFT: "Tolerated"; PolyPhen-2: "Probably Damaging"; Align-GVGD: "Class C0"). In summary, the available evidence is currently insufficient to determine the role of this variant in disease. Therefore, it has been classified as a Variant of Uncertain Significance.